The following is an entry in ClinVar:

NM_153026.3(PRICKLE1):c.2027G>A (p.Arg676Gln)

Gene: PRICKLE1 (prickle planar cell polarity protein 1; minus strand). Cytogenetic location: 12q12.
Variant type: single nucleotide variant.
Coding change: c.2027G>A on transcript NM_153026.3 (MANE Select); coding-DNA position 2027, G replaced by A.
Protein change: p.Arg676Gln; replaces arginine 676 with glutamine.
Molecular consequence: missense variant.
Genome position (GRCh38, 1-based): chr12:42,460,278, C>T on the plus strand (G>A on the coding strand, the complement: PRICKLE1 is on the minus strand). VCF-style: chr12-42460278-C-T. GRCh37 (hg19) VCF-style: chr12-42854080-C-T.
Other names: c.2027G>A, p.Arg676Gln (NM_001144881.2, NM_001144882.2, NM_001144883.2); short protein forms R676Q.
Identifiers: ClinVar variation 289511 (VCV000289511.13), dbSNP rs377294908, ClinGen allele CA10606468.

ClinVar aggregate classification (germline): Uncertain significance. Review status: criteria provided, multiple submitters, no conflicts (2 of 4 stars). 5 submissions from 5 submitters: Uncertain significance (5). Last evaluated 2023-05-12.

Conditions:
Epilepsy, progressive myoclonic, 1B. Also called: PME. Identifiers: Orphanet 308, MedGen C2676254, MONDO:0012904, OMIM 612437.

Allele frequency attached by ClinVar (database versions not stated): gnomAD 0.00003 and 0.00004; TOPMed 0.00006; ESP Exome Variant Server 0.00008.
gnomAD v4.1: 29 of 1,613,980 alleles (0.0018%); highest among the groups gnomAD compares: Middle Eastern, 0.016%; no homozygotes.

Submissions (5):

Blueprint Genetics
Classification: Uncertain significance. Last evaluated: 2023-05-12. Review status: criteria provided, single submitter. Criteria: ACMG Guidelines, 2015. Collection method: clinical testing. Allele origin: germline.

Labcorp Genetics (formerly Invitae), Labcorp
Classification: Uncertain significance for Epilepsy, progressive myoclonic, 1B. Last evaluated: 2022-07-29. Review status: criteria provided, single submitter. Criteria: Invitae Variant Classification Sherloc (09022015). Collection method: clinical testing. Allele origin: germline.
Comment: This sequence change replaces arginine, which is basic and polar, with glutamine, which is neutral and polar, at codon 676 of the PRICKLE1 protein (p.Arg676Gln). This variant is present in population databases (rs377294908, gnomAD 0.006%). This variant has not been reported in the literature in individuals affected with PRICKLE1-related conditions. ClinVar contains an entry for this variant (Variation ID: 289511). Algorithms developed to predict the effect of missense changes on protein structure and function are either unavailable or do not agree on the potential impact of this missense change (SIFT: "Deleterious"; PolyPhen-2: "Possibly Damaging"; Align-GVGD: "Class C0"). Algorithms developed to predict the effect of sequence changes on RNA splicing suggest that this variant may create or strengthen a splice site. In summary, the available evidence is currently insufficient to determine the role of this variant in disease. Therefore, it has been classified as a Variant of Uncertain Significance.

Ambry Genetics
Classification: Uncertain significance. Last evaluated: 2021-09-30. Review status: criteria provided, single submitter. Criteria: Ambry Variant Classification Scheme 2023. Collection method: clinical testing. Allele origin: germline.

Mayo Clinic Laboratories, Mayo Clinic
Classification: Uncertain significance. Last evaluated: 2020-10-22. Review status: criteria provided, single submitter. Criteria: ACMG Guidelines, 2015. Collection method: clinical testing. Allele origin: germline. Observed: 1 variant allele.

Eurofins Ntd Llc (ga)
Classification: Uncertain significance. Last evaluated: 2016-08-08. Review status: criteria provided, single submitter. Criteria: EGL Classification Definitions 2015. Collection method: clinical testing. Allele origin: germline. Observed: 2 variant alleles, 2 heterozygotes.